The following is an entry in ClinVar:

NM_001928.4(CFD):c.275A>G (p.Lys92Arg)

Gene: CFD (complement factor D; plus strand). Cytogenetic location: 19p13.3.
Variant type: single nucleotide variant.
Coding change: c.275A>G on transcript NM_001928.4 (MANE Select); coding-DNA position 275, A replaced by G.
Protein change: p.Lys92Arg; replaces lysine 92 with arginine.
Molecular consequence: missense variant.
Genome position (GRCh38, 1-based): chr19:860,923, A>G. VCF-style: chr19-860923-A-G. GRCh37 (hg19) VCF-style: chr19-860923-A-G.
Other names: c.296A>G, p.Lys99Arg (NM_001317335.2); short protein forms K92R, K99R.
Identifiers: ClinVar variation 1511979 (VCV001511979.6), dbSNP rs779202734, ClinGen allele CA9026284.

ClinVar aggregate classification (germline): Uncertain significance (1 of 4 stars; one submission).

Allele frequency attached by ClinVar (database versions not stated): gnomAD 0.00001; TOPMed 0.00001; ExAC 0.00003; gnomAD exomes 0.00003 and 0.00005.
gnomAD v4.1: 67 of 1,599,994 alleles (0.0042%); highest among the groups gnomAD compares: Non-Finnish European, 0.0055%; no homozygotes.

Submission:

Labcorp Genetics (formerly Invitae), Labcorp
Classification: Uncertain significance. Last evaluated: 2022-03-07. Review status: criteria provided, single submitter. Criteria: Invitae Variant Classification Sherloc (09022015). Collection method: clinical testing. Allele origin: germline.
Comment: In summary, the available evidence is currently insufficient to determine the role of this variant in disease. Therefore, it has been classified as a Variant of Uncertain Significance. Algorithms developed to predict the effect of missense changes on protein structure and function are either unavailable or do not agree on the potential impact of this missense change (SIFT: "Not Available"; PolyPhen-2: "Benign"; Align-GVGD: "Not Available"). This variant has not been reported in the literature in individuals affected with CFD-related conditions. This variant is present in population databases (rs779202734, gnomAD 0.007%). This sequence change replaces lysine, which is basic and polar, with arginine, which is basic and polar, at codon 92 of the CFD protein (p.Lys92Arg).